The following is an entry in ClinVar:

ClinVar aggregate classification (germline): Uncertain significance. Review status: criteria provided, multiple submitters, no conflicts (2 of 4 stars). 2 submissions from 2 submitters: Uncertain significance (2). Last evaluated 2025-08-22.

Allele frequency attached by ClinVar (database versions not stated): gnomAD 0.00001; gnomAD exomes 0.00001; ExAC 0.00002; TOPMed 0.00005.
gnomAD v4.1: 23 of 1,613,980 alleles (0.0014%); highest among the groups gnomAD compares: Middle Eastern, 0.016%; no homozygotes.

Submissions (2):

Ambry Genetics
Classification: Uncertain significance. Last evaluated: 2025-08-22. Review status: criteria provided, single submitter. Criteria: Ambry Variant Classification Scheme 2023. Collection method: clinical testing. Allele origin: germline.

Labcorp Genetics (formerly Invitae), Labcorp
Classification: Uncertain significance. Last evaluated: 2025-04-23. Review status: criteria provided, single submitter. Criteria: Invitae Variant Classification Sherloc (09022015). Collection method: clinical testing. Allele origin: germline.
Comment: This sequence change replaces arginine, which is basic and polar, with glutamine, which is neutral and polar, at codon 1044 of the KANK1 protein (p.Arg1044Gln). This variant is present in population databases (rs751756062, gnomAD 0.004%). This variant has not been reported in the literature in individuals affected with KANK1-related conditions. ClinVar contains an entry for this variant (Variation ID: 2354895). An algorithm developed to predict the effect of missense changes on protein structure and function outputs the following: PolyPhen-2: "Benign". The glutamine amino acid residue is found in multiple mammalian species, which suggests that this missense change does not adversely affect protein function. In summary, the available evidence is currently insufficient to determine the role of this variant in disease. Therefore, it has been classified as a Variant of Uncertain Significance.

NM_015158.5(KANK1):c.3131G>A (p.Arg1044Gln)

Gene: KANK1 (KN motif and ankyrin repeat domains 1; plus strand). Cytogenetic location: 9p24.3.
Variant type: single nucleotide variant.
Coding change: c.3131G>A on transcript NM_015158.5 (MANE Select); coding-DNA position 3131, G replaced by A.
Protein change: p.Arg1044Gln; replaces arginine 1044 with glutamine.
Molecular consequence: missense variant. On other transcripts: intron variant (5).
Genome position (GRCh38, 1-based): chr9:732,503, G>A. VCF-style: chr9-732503-G-A. GRCh37 (hg19) VCF-style: chr9-732503-G-A.
Other names: c.3131G>A, p.Arg1044Gln (NM_001256876.3, NM_001256877.3, NM_001354334.2); c.3077G>A, p.Arg1026Gln (NM_001354332.2); c.2657G>A, p.Arg886Gln (NM_001354333.2, NM_001354335.2, NM_001354337.2 and 2 more transcripts); c.2603G>A, p.Arg868Gln (NM_001354338.2, NM_001354340.2, NM_001354344.2); c.3005+1237G>A (NM_001354331.2); c.2477+1237G>A (NM_001354336.2); c.2531+1237G>A (NM_001354339.2, NM_001354343.2, NM_001354342.2); c.3131G>A (NM_015158.2); short protein forms R1026Q, R1044Q, R868Q, R886Q.
Identifiers: ClinVar variation 2354895 (VCV002354895.9), dbSNP rs751756062, ClinGen allele CA4960788.
Genomic context (GRCh38, chr9:732,503, plus strand): 5'-AGTGTGATGTCATTGAGTATCCTCTTGAAGAAGAGGAGGAGGAGGAGGATGAAGACACTC[G>A]GGGAATGGCAGAAGGGCACCATGCAGTTAATATTGAAGGTTTGAAGTCTGCCAGGGTGGA-3'
Protein context (NP_055973.2, residues 1034-1054): EEEEEEDEDT[Arg1044Gln]GMAEGHHAVN